The following is an entry in ClinVar:

NM_000069.3(CACNA1S):c.2658G>A (p.Glu886=)

Gene: CACNA1S (calcium voltage-gated channel subunit alpha1 S; minus strand). Cytogenetic location: 1q32.1.
Variant type: single nucleotide variant.
Coding change: c.2658G>A on transcript NM_000069.3 (MANE Select); coding-DNA position 2658, G replaced by A.
Protein change: p.Glu886=; no amino-acid change (glutamic acid 886 retained).
Molecular consequence: synonymous variant.
Genome position (GRCh38, 1-based): chr1:201,066,316, C>T on the plus strand (G>A on the coding strand, the complement: CACNA1S is on the minus strand). VCF-style: chr1-201066316-C-T. GRCh37 (hg19) VCF-style: chr1-201035444-C-T.
Identifiers: ClinVar variation 510524 (VCV000510524.39), dbSNP rs140924492, ClinGen allele CA079205.

ClinVar aggregate classification (germline): Conflicting classifications of pathogenicity. Review status: criteria provided, conflicting classifications (1 of 4 stars). 5 submissions from 5 submitters: Uncertain significance (1); Likely benign (4). Last evaluated 2025-11-18.

Conditions:
Hypokalemic periodic paralysis, type 1. Also called: HypoPP; Hypokalemic Periodic Paralysis Type 1 (AD). Identifiers: Orphanet 681, MedGen C3714580, MONDO:0042979, OMIM 170400.
Malignant hyperthermia, susceptibility to, 5 (MHS5). Also called: CACNA1S-Related Malignant Hyperthermia Susceptibility. Identifiers: Orphanet 423, MedGen C1866077, MONDO:0011163, OMIM 601887.
Inborn genetic diseases. Identifiers: MedGen C0950123, MeSH D030342.

Allele frequency attached by ClinVar (database versions not stated): ExAC 0.00006; gnomAD exomes 0.00006; gnomAD 0.00009 and 0.00010; TOPMed 0.00009; ESP Exome Variant Server 0.00015.
gnomAD v4.1: 79 of 1,610,084 alleles (0.0049%); highest among the groups gnomAD compares: Non-Finnish European, 0.0063%; no homozygotes.

Submissions (5):

Labcorp Genetics (formerly Invitae), Labcorp
Classification: Uncertain significance for Hypokalemic periodic paralysis, type 1; Malignant hyperthermia, susceptibility to, 5. Last evaluated: 2025-11-18. Review status: criteria provided, single submitter. Criteria: Invitae Variant Classification Sherloc (09022015). Collection method: clinical testing. Allele origin: germline.
Comment: This sequence change affects codon 886 of the CACNA1S mRNA. It is a 'silent' change, meaning that it does not change the encoded amino acid sequence of the CACNA1S protein. It affects a nucleotide within the consensus splice site. This variant is present in population databases (rs140924492, gnomAD 0.01%). This variant has not been reported in the literature in individuals affected with CACNA1S-related conditions. ClinVar contains an entry for this variant (Variation ID: 510524). Algorithms developed to predict the effect of sequence changes on RNA splicing suggest that this variant is not likely to affect RNA splicing. In summary, the available evidence is currently insufficient to determine the role of this variant in disease. Therefore, it has been classified as a Variant of Uncertain Significance.

Ambry Genetics
Classification: Likely benign for Inborn genetic diseases. Last evaluated: 2025-06-22. Review status: criteria provided, single submitter. Criteria: Ambry Variant Classification Scheme 2023. Collection method: clinical testing. Allele origin: germline.

CeGaT Center for Human Genetics Tuebingen
Classification: Likely benign. Last evaluated: 2023-09-01. Review status: criteria provided, single submitter. Criteria: CeGaT Center For Human Genetics Tuebingen Variant Classification Criteria Version 2. Collection method: clinical testing. Allele origin: germline. Affected: yes. Observed: 1 variant allele.
Comment: CACNA1S: BP4, BP7

Color Diagnostics, LLC DBA Color Health
Classification: Likely benign for Malignant hyperthermia, susceptibility to, 5. Last evaluated: 2022-10-19. Review status: criteria provided, single submitter. Criteria: ACMG Guidelines, 2015. Collection method: clinical testing. Allele origin: germline.

GeneDx
Classification: Likely benign. Last evaluated: 2018-04-25. Review status: criteria provided, single submitter. Criteria: GeneDx Variant Classification Process June 2021. Collection method: clinical testing. Allele origin: germline. Affected: yes.